The following is an entry in ClinVar:

NC_000002.12:g.121530947C>T

Genes: CLASP1 (cytoplasmic linker associated protein 1; minus strand), CLASP1-AS1 (CLASP1 antisense RNA 1; plus strand), RNU4ATAC (RNA, U4atac small nuclear; plus strand). Cytogenetic location: 2q14.2.
Variant type: single nucleotide variant.
Molecular consequence: intron variant (on NM_001395891.1).
Genome position: GRCh38 VCF-style: chr2-121530947-C-T. GRCh37 (hg19) VCF-style: chr2-122288523-C-T.
Other names: c.196-622G>A (NM_001142274.2, NM_015282.3, NM_001378003.1 and 5 more transcripts).
Identifiers: ClinVar variation 1007736 (VCV001007736.5), dbSNP rs191916413, ClinGen allele CA1854717.

ClinVar aggregate classification (germline): Uncertain significance. Review status: criteria provided, multiple submitters, no conflicts (2 of 4 stars). 2 submissions from 2 submitters: Uncertain significance (2). Last evaluated 2024-09-04.

Allele frequency attached by ClinVar (database versions not stated): ExAC 0.00037; TOPMed 0.00088; 1000 Genomes Project 30x 0.00187; 1000 Genomes Project 0.00200.
gnomAD v4.1: 241 of 700,426 alleles (0.034%); highest among the groups gnomAD compares: African/African-American, 0.27%; no homozygotes.

Submissions (2):

Blueprint Genetics
Classification: Uncertain significance. Last evaluated: 2024-09-04. Review status: criteria provided, single submitter. Criteria: ACMG Guidelines, 2015. Collection method: clinical testing. Allele origin: germline.

Labcorp Genetics (formerly Invitae), Labcorp
Classification: Uncertain significance. Last evaluated: 2022-09-07. Review status: criteria provided, single submitter. Criteria: Invitae Variant Classification Sherloc (09022015). Collection method: clinical testing. Allele origin: germline.
Comment: This variant occurs in the RNU4ATAC gene, which encodes an RNA molecule that does not result in a protein product. This variant is present in population databases (rs191916413, gnomAD 0.2%). This variant has not been reported in the literature in individuals affected with RNU4ATAC-related conditions. ClinVar contains an entry for this variant (Variation ID: 1007736). Experimental studies and prediction algorithms are not available or were not evaluated, and the functional significance of this variant is currently unknown. In summary, the available evidence is currently insufficient to determine the role of this variant in disease. Therefore, it has been classified as a Variant of Uncertain Significance.